The following is an entry in ClinVar:

ClinVar aggregate classification (germline): Pathogenic (1 of 4 stars; one submission).

Submission:

Labcorp Genetics (formerly Invitae), Labcorp
Classification: Pathogenic. Last evaluated: 2023-06-29. Review status: criteria provided, single submitter. Criteria: Invitae Variant Classification Sherloc (09022015). Collection method: clinical testing. Allele origin: germline.
Comment: For these reasons, this variant has been classified as Pathogenic. This variant has not been reported in the literature in individuals affected with ZNF469-related conditions. This variant is not present in population databases (gnomAD no frequency). This sequence change creates a premature translational stop signal (p.Leu773Serfs*27) in the ZNF469 gene. It is expected to result in an absent or disrupted protein product. Loss-of-function variants in ZNF469 are known to be pathogenic (PMID: 23642083, 23680354).

Literature cited by the submitters: PubMed 23642083; PubMed 23680354.

NM_001367624.2(ZNF469):c.2313del (p.Leu773fs)

Gene: ZNF469 (zinc finger protein 469; plus strand). Cytogenetic location: 16q24.2.
Variant type: Deletion.
Coding change: c.2313del on transcript NM_001367624.2 (MANE Select); coding-DNA position 2313, one base deleted (T; older notation c.2313delT).
Protein change: p.Leu773fs; shifts the reading frame from leucine 773.
Molecular consequence: frameshift variant.
Genome position (GRCh38, 1-based): chr16:88,429,783, T deleted. VCF-style (leftmost placement, unchanged base first): chr16-88429782-CT-C. GRCh37 (hg19) VCF-style: chr16-88496190-CT-C.
Other names: short protein forms L773fs.
Identifiers: ClinVar variation 2849149 (VCV002849149.3), dbSNP rs2507578316, ClinGen allele CA2739265541.